The following is an entry in ClinVar:

ClinVar aggregate classification (germline): Uncertain significance. Review status: criteria provided, multiple submitters, no conflicts (2 of 4 stars). 5 submissions from 5 submitters: Uncertain significance (3). 2 of the submissions do not count toward it. Last evaluated 2026-02-02.

Conditions:
Cardiovascular phenotype. Identifiers: MedGen CN230736.
Hypertrophic cardiomyopathy 12. Identifiers: MedGen C2677491, MONDO:0012804, OMIM 612124.
Dilated cardiomyopathy 1M (CMD1M). Identifiers: Orphanet 154, MedGen C1843808, MONDO:0011840, OMIM 607482.

Allele frequency attached by ClinVar (database versions not stated): TOPMed below 0.00001; gnomAD exomes 0.00001 and below 0.00001; gnomAD 0.00001.
gnomAD v4.1: 7 of 1,614,008 alleles (0.00043%); highest among the groups gnomAD compares: Non-Finnish European, 0.00034%; no homozygotes.

Submissions (5):

Labcorp Genetics (formerly Invitae), Labcorp
Classification: Uncertain significance for Hypertrophic cardiomyopathy 12; Dilated cardiomyopathy 1M. Last evaluated: 2026-02-02. Review status: criteria provided, single submitter. Criteria: Invitae Variant Classification Sherloc (09022015). Collection method: clinical testing. Allele origin: germline.
Comment: This sequence change replaces asparagine, which is neutral and polar, with aspartic acid, which is acidic and polar, at codon 158 of the CSRP3 protein (p.Asn158Asp). This variant is present in population databases (no rsID available, gnomAD 0.01%). This missense change has been observed in individual(s) with cardiomyopathy and/or hypertrophic cardiomyopathy (PMID: 30847666; internal data). ClinVar contains an entry for this variant (Variation ID: 543038). An algorithm developed to predict the effect of missense changes on protein structure and function (PolyPhen-2) suggests that this variant is likely to be tolerated. In summary, the available evidence is currently insufficient to determine the role of this variant in disease. Therefore, it has been classified as a Variant of Uncertain Significance.

Molecular Diagnostic Laboratory for Inherited Cardiovascular Disease, Montreal Heart Institute
Classification: Uncertain significance for Cardiovascular phenotype. Last evaluated: 2025-04-09. Review status: criteria provided, single submitter. Criteria: ACMG Guidelines, 2015. Collection method: clinical testing. Allele origin: germline. Affected: yes.

GeneDx
Classification: Uncertain significance. Last evaluated: 2022-07-29. Review status: criteria provided, single submitter. Criteria: GeneDx Variant Classification Process June 2021. Collection method: clinical testing. Allele origin: germline. Affected: yes.
Comment: Identified in a patient with HCM in published literature (van Lint et al., 2019); Not observed at a significant frequency in large population cohorts (gnomAD); In silico analysis, which includes protein predictors and evolutionary conservation, supports that this variant does not alter protein structure/function; This variant is associated with the following publications: (PMID: 30847666)

Clinical Genetics DNA and cytogenetics Diagnostics Lab, Erasmus MC, Erasmus Medical Center
Classification: Uncertain significance. Review status: no assertion criteria provided. Collection method: clinical testing. Allele origin: germline. Affected: yes. Study: VKGL Data-share Consensus. Not counted in ClinVar's aggregate classification.

Clinical Genetics, Academic Medical Center
Classification: Uncertain significance. Review status: no assertion criteria provided. Collection method: clinical testing. Allele origin: germline. Affected: yes. Study: VKGL Data-share Consensus. Not counted in ClinVar's aggregate classification.

Literature cited by the submitters: PubMed 30847666 (cited by Labcorp Genetics (formerly Invitae), Labcorp).

NM_003476.5(CSRP3):c.472A>G (p.Asn158Asp)

Gene: CSRP3 (cysteine and glycine rich protein 3; minus strand). Cytogenetic location: 11p15.1.
Variant type: single nucleotide variant.
Coding change: c.472A>G on transcript NM_003476.5 (MANE Select); coding-DNA position 472, A replaced by G.
Protein change: p.Asn158Asp; replaces asparagine 158 with aspartic acid.
Molecular consequence: missense variant. On other transcripts: synonymous variant (1).
Genome position (GRCh38, 1-based): chr11:19,184,988, T>C on the plus strand (A>G on the coding strand, the complement: CSRP3 is on the minus strand). VCF-style: chr11-19184988-T-C. GRCh37 (hg19) VCF-style: chr11-19206535-T-C.
Other names: c.303A>G, p.Gln101= (NM_001369404.1); short protein forms N158D.
Identifiers: ClinVar variation 543038 (VCV000543038.14), dbSNP rs1373333255, ClinGen allele CA379887685.
Genomic context (GRCh38, chr11:19,184,988, plus strand): 5'-AAGAAAGTCTCCAGAATCACTCACCTTTGCAATAAAGTTCCCCATCTTTGTCAGTGACAT[T>C]TGTGGACTCCAGACTCTTCCCACAGATGGCACAGCGGAAACAGGTCTTGTGCCAAGGCTG-3'
Protein context (NP_003467.1, residues 148-168): AICGKSLEST[Asn158Asp]VTDKDGELYC